The following is an entry in ClinVar:

NM_152618.3(BBS12):c.1961A>G (p.Asn654Ser)

Gene: BBS12 (Bardet-Biedl syndrome 12; plus strand). Cytogenetic location: 4q27.
Variant type: single nucleotide variant.
Coding change: c.1961A>G on transcript NM_152618.3 (MANE Select); coding-DNA position 1961, A replaced by G.
Protein change: p.Asn654Ser; replaces asparagine 654 with serine.
Molecular consequence: missense variant.
Genome position (GRCh38, 1-based): chr4:122,743,853, A>G. VCF-style: chr4-122743853-A-G. GRCh37 (hg19) VCF-style: chr4-123665008-A-G.
Other names: c.1961A>G, p.Asn654Ser (NM_001178007.2); short protein forms N654S.
Identifiers: ClinVar variation 4992162 (VCV004992162.1).

ClinVar aggregate classification (germline): Uncertain significance (1 of 4 stars; one submission).

Conditions:
BBS12-related disorder. Also called: BBS12-related condition.

gnomAD v4.1: 6 of 1,606,030 alleles (0.00037%); highest among the groups gnomAD compares: South Asian, 0.0067%; no homozygotes.

Submission:

PreventionGenetics, part of Exact Sciences
Classification: Uncertain significance for BBS12-related condition. Last evaluated: 2026-08-12. Review status: criteria provided, single submitter. Criteria: ACMG Guidelines, 2015. Collection method: clinical testing. Allele origin: germline.
Comment: The BBS12 c.1961A>G variant is predicted to result in the amino acid substitution p.Asn654Ser. To our knowledge, this variant has not been reported in the literature. This variant is reported in 0.0070% of alleles in individuals of South Asian descent in gnomAD. At this time, the clinical significance of this variant is uncertain due to the absence of conclusive functional and genetic evidence.